The following is an entry in ClinVar:

NM_021813.4(BACH2):c.959C>G (p.Pro320Arg)

Gene: BACH2 (BACH transcriptional regulator 2; minus strand). Cytogenetic location: 6q15.
Variant type: single nucleotide variant.
Coding change: c.959C>G on transcript NM_021813.4 (MANE Select); coding-DNA position 959, C replaced by G.
Protein change: p.Pro320Arg; replaces proline 320 with arginine.
Molecular consequence: missense variant.
Genome position (GRCh38, 1-based): chr6:89,951,147, G>C on the plus strand (C>G on the coding strand, the complement: BACH2 is on the minus strand). VCF-style: chr6-89951147-G-C. GRCh37 (hg19) VCF-style: chr6-90660866-G-C.
Other names: c.959C>G, p.Pro320Arg (NM_001170794.2); short protein forms P320R.
Identifiers: ClinVar variation 2974112 (VCV002974112.3), dbSNP rs762984505, ClinGen allele CA3928074.

ClinVar aggregate classification (germline): Uncertain significance (1 of 4 stars; one submission).

Allele frequency attached by ClinVar (database versions not stated): gnomAD 0.00001; TOPMed 0.00002.
gnomAD v4.1: 31 of 1,612,436 alleles (0.0019%); highest among the groups gnomAD compares: African/African-American, 0.0027%; no homozygotes.

Submission:

Labcorp Genetics (formerly Invitae), Labcorp
Classification: Uncertain significance. Last evaluated: 2025-04-28. Review status: criteria provided, single submitter. Criteria: Invitae Variant Classification Sherloc (09022015). Collection method: clinical testing. Allele origin: germline.
Comment: This sequence change replaces proline, which is neutral and non-polar, with arginine, which is basic and polar, at codon 320 of the BACH2 protein (p.Pro320Arg). This variant is present in population databases (rs762984505, gnomAD 0.0009%). This variant has not been reported in the literature in individuals affected with BACH2-related conditions. ClinVar contains an entry for this variant (Variation ID: 2974112). An algorithm developed to predict the effect of missense changes on protein structure and function (PolyPhen-2) suggests that this variant is likely to be tolerated. In summary, the available evidence is currently insufficient to determine the role of this variant in disease. Therefore, it has been classified as a Variant of Uncertain Significance.